The following is an entry in ClinVar:

NM_000051.4(ATM):c.659C>T (p.Ala220Val)

Gene: ATM (ATM serine/threonine kinase; plus strand). Cytogenetic location: 11q22.3.
Variant type: single nucleotide variant.
Coding change: c.659C>T on transcript NM_000051.4 (MANE Select); coding-DNA position 659, C replaced by T.
Protein change: p.Ala220Val; replaces alanine 220 with valine.
Molecular consequence: missense variant.
Genome position (GRCh38, 1-based): chr11:108,244,115, C>T. VCF-style: chr11-108244115-C-T. GRCh37 (hg19) VCF-style: chr11-108114842-C-T.
Other names: p.A220V:GCG>GTG; c.659C>T, p.Ala220Val (NM_001351834.2); short protein forms A220V.
Identifiers: ClinVar variation 133640 (VCV000133640.83), dbSNP rs145355104, ClinGen allele CA157192.

ClinVar aggregate classification (germline): Conflicting classifications of pathogenicity. Review status: criteria provided, conflicting classifications (1 of 4 stars). 18 submissions from 18 submitters: Uncertain significance (14); Likely benign (1). 3 of the submissions do not count toward it. Last evaluated 2026-08-04.

Conditions:
ATM-related cancer predisposition. Also called: ATM-related cancer susceptibility. Identifiers: MedGen CN377759, MONDO:0700270.
Hereditary cancer-predisposing syndrome. Also called: Hereditary neoplastic syndrome; Neoplastic Syndromes, Hereditary; Tumor predisposition; Hereditary Cancer Syndrome. Identifiers: Orphanet 140162, MedGen C0027672, MeSH D009386, MONDO:0015356.
Familial cancer of breast. Also called: hereditary breast carcinoma; BREAST CANCER, FAMILIAL; Hereditary breast cancer. Identifiers: Orphanet 227535, MedGen C0346153, MONDO:0016419, OMIM 114480. Disease mechanism: loss of function.
Ataxia-telangiectasia syndrome (AT). Also called: LOUIS-BAR SYNDROME; ATAXIA-TELANGIECTASIA, COMPLEMENTATION GROUP A; ATAXIA-TELANGIECTASIA, FRESNO VARIANT; Ataxia-telangiectasia; Ataxia telangiectasia (A-T); Ataxia-telangiectasia, complementation group D. Identifiers: Orphanet 100, MedGen C0004135, MONDO:0008840, OMIM 208900.
Hereditary breast ovarian cancer syndrome. Also called: BRCA1- and BRCA2-Associated Hereditary Breast and Ovarian Cancer; Hereditary breast and ovarian cancer syndrome; Hereditary breast and/or ovarian cancer syndrome; Hereditary breast and ovarian cancer; Hereditary breast and ovarian cancer syndrome (HBOC); Breast and ovarian cancer. Identifiers: Orphanet 145, MedGen C0677776, MeSH D061325, MONDO:0003582. Disease mechanism: loss of function.

Allele frequency attached by ClinVar (database versions not stated): TOPMed 0.00001; gnomAD exomes 0.00002 and 0.00005; ExAC 0.00007; ESP Exome Variant Server 0.00008.
gnomAD v4.1: 33 of 1,613,416 alleles (0.002%); highest among the groups gnomAD compares: East Asian, 0.018%; no homozygotes.

Submissions (18):

Hema, HEMA – Genetic and Molecular Diagnostic Laboratory
Classification: Uncertain significance for ATM-related cancer predisposition. Last evaluated: 2026-08-04. Review status: criteria provided, single submitter. Criteria: HEMA Variant Classification Assertion Criteria. Collection method: clinical testing. Allele origin: germline.
Comment: The variant c.659C>T p.(Ala220Val) is a transition from cytosine to thymine, resulting in the substitution of alanine 220 by valine in the ATM protein. BP4: The score of the computational meta-predictor REVEL is 0.058 (≤ 0.249), indicating that the variant is not expected to have an effect on the ATM protein.

Labcorp Genetics (formerly Invitae), Labcorp
Classification: Uncertain significance for Ataxia-telangiectasia syndrome. Last evaluated: 2025-11-10. Review status: criteria provided, single submitter. Criteria: Invitae Variant Classification Sherloc (09022015). Collection method: clinical testing. Allele origin: germline.
Comment: This sequence change replaces alanine, which is neutral and non-polar, with valine, which is neutral and non-polar, at codon 220 of the ATM protein (p.Ala220Val). This variant is present in population databases (rs145355104, gnomAD 0.03%). This variant has not been reported in the literature in individuals affected with ATM-related conditions. ClinVar contains an entry for this variant (Variation ID: 133640). Invitae Evidence Modeling of protein sequence and biophysical properties (such as structural, functional, and spatial information, amino acid conservation, physicochemical variation, residue mobility, and thermodynamic stability) indicates that this missense variant is not expected to disrupt ATM protein function with a negative predictive value of 95%. In summary, the available evidence is currently insufficient to determine the role of this variant in disease. Therefore, it has been classified as a Variant of Uncertain Significance.

Color Diagnostics, LLC DBA Color Health
Classification: Uncertain significance for Hereditary cancer-predisposing syndrome. Last evaluated: 2025-03-18. Review status: criteria provided, single submitter. Criteria: ACMG Guidelines, 2015. Collection method: clinical testing. Allele origin: germline.
Comment: This missense variant replaces alanine with valine at codon 220 of the ATM protein. Computational prediction suggests that this variant may not impact protein structure and function. To our knowledge, functional studies have not been reported for this variant. In a breast cancer case-control study, this variant was reported in 8/11241 female controls, 8/7051 female cases, 18/12490 male controls, and absent in 53 male cases (PMID: 30287823). This variant has been identified in 13/251124 chromosomes in the general population by the Genome Aggregation Database (gnomAD). The available evidence is insufficient to determine the role of this variant in disease conclusively. Therefore, this variant is classified as a Variant of Uncertain Significance.

Quest Diagnostics Nichols Institute San Juan Capistrano
Classification: Uncertain significance. Last evaluated: 2025-02-11. Review status: criteria provided, single submitter. Criteria: Quest Diagnostics criteria. Collection method: clinical testing. Allele origin: unknown.

Ambry Genetics
Classification: Likely benign for Hereditary cancer-predisposing syndrome. Last evaluated: 2024-11-01. Review status: criteria provided, single submitter. Criteria: Ambry Variant Classification Scheme 2023. Collection method: clinical testing. Allele origin: germline.

KCCC/NGS Laboratory, Kuwait Cancer Control Center
Classification: Uncertain significance for Familial cancer of breast. Last evaluated: 2024-06-20. Review status: criteria provided, single submitter. Criteria: ACMG Guidelines, 2015. Collection method: clinical testing. Allele origin: germline. Inheritance: Autosomal dominant inheritance. Affected: yes. Observed: 1 heterozygote.
Comment: This sequence change replaces alanine, which is neutral and non-polar, with valine, which is neutral and non-polar, at codon 220 of the ATM protein (p.Ala220Val). This amino acid position is well conserved (PhyloP= 2.58). This variant is present in population databases (rs145355104, gnomAD 0.03%). This variant has not been reported in the literature in individuals affected with ATM-related conditions. ClinVar contains an entry for this variant (Variation ID: 133640). In addition, this alteration is predicted to be tolerated by in silico analysis. In summary, the available evidence is currently insufficient to determine the role of this variant in disease. Therefore, it has been classified as a Variant of Uncertain Significance.

Baylor Genetics
Classification: Uncertain significance for Familial cancer of breast. Last evaluated: 2023-08-17. Review status: criteria provided, single submitter. Criteria: ACMG Guidelines, 2015. Collection method: clinical testing. Allele origin: unknown.

GeneDx
Classification: Uncertain significance. Last evaluated: 2023-02-06. Review status: criteria provided, single submitter. Criteria: GeneDx Variant Classification Process June 2021. Collection method: clinical testing. Allele origin: germline. Affected: yes.
Comment: In silico analysis supports that this missense variant does not alter protein structure/function; Observed in individuals with breast cancer, but also in unaffected controls (Tung et al., 2015; Momozawa et al., 2018; Chen et al., 2020); This variant is associated with the following publications: (PMID: 24728327, 35554535, 32566746, 32091409, 25186627, 30287823)

CeGaT Center for Human Genetics Tuebingen
Classification: Uncertain significance. Last evaluated: 2022-08-01. Review status: criteria provided, single submitter. Criteria: CeGaT Center For Human Genetics Tuebingen Variant Classification Criteria Version 2. Collection method: clinical testing. Allele origin: germline. Affected: yes. Observed: 2 variant alleles.
Comment: ATM: PM2:Supporting, BP4

Fulgent Genetics
Classification: Uncertain significance for Familial cancer of breast; Ataxia-telangiectasia syndrome. Last evaluated: 2022-01-05. Review status: criteria provided, single submitter. Criteria: ACMG Guidelines, 2015. Collection method: clinical testing. Allele origin: unknown.

Athena Diagnostics
Classification: Uncertain significance. Last evaluated: 2021-11-08. Review status: criteria provided, single submitter. Criteria: Athena Diagnostics Criteria. Collection method: clinical testing. Allele origin: unknown.

Genetic Services Laboratory, University of Chicago
Classification: Uncertain significance. Last evaluated: 2021-08-25. Review status: criteria provided, single submitter. Criteria: ACMG Guidelines, 2015. Collection method: clinical testing. Allele origin: germline. Affected: no.
Comment: This sequence change does not appear to have been previously described in patients with ATM-related disorders and has been described in the gnomAD database with a low population frequency of 0.0052% (dbSNP rs145355104). The p.Ala220Val change affects a moderately conserved amino acid residue located in a domain of the ATM protein that is not known to be functional. The p.Ala220Val substitution appears to be benign using several in-silico pathogenicity prediction tools (SIFT, PolyPhen2, Align GVGD, REVEL). Due to this insufficient evidence and the lack of functional studies, the clinical significance of the p.Ala220Val change remains unknown at this time.

Institute of Human Genetics, University of Leipzig Medical Center
Classification: Uncertain significance for Familial cancer of breast. Last evaluated: 2019-06-06. Review status: criteria provided, single submitter. Criteria: ACMG Guidelines, 2015. Collection method: clinical testing. Allele origin: germline. Affected: yes. Observed: 1 variant allele.

Cancer Genomics Group, Japanese Foundation For Cancer Research
Classification: Uncertain significance for Hereditary breast and ovarian cancer syndrome. Last evaluated: 2019-05-01. Review status: criteria provided, single submitter. Criteria: ACMG Guidelines, 2015. Collection method: research. Allele origin: germline. Affected: yes.

Illumina Laboratory Services, Illumina
Classification: Uncertain significance for Ataxia-telangiectasia syndrome. Last evaluated: 2018-01-13. Review status: criteria provided, single submitter. Criteria: ICSL Variant Classification Criteria 13 December 2019. Collection method: clinical testing. Allele origin: germline.

Natera, Inc.
Classification: Uncertain significance for Ataxia-telangiectasia. Last evaluated: 2020-03-07. Review status: no assertion criteria provided. Collection method: clinical testing. Allele origin: germline. Not counted in ClinVar's aggregate classification.

Counsyl
Classification: Uncertain significance for Ataxia-telangiectasia syndrome. Last evaluated: 2017-12-07. Review status: no assertion criteria provided. Collection method: clinical testing. Allele origin: unknown. Not counted in ClinVar's aggregate classification.

ITMI
No classification provided. Condition: AllHighlyPenetrant. Last evaluated: 2013-09-19. Review status: no classification provided. Collection method: reference population. Allele origin: germline. Not counted in ClinVar's aggregate classification.
Comment: Please see associated publication for description of ethnicities

Literature cited by the submitters: PubMed 30287823 (cited by Color Diagnostics, LLC DBA Color Health and Athena Diagnostics); PubMed 24728327 (cited by Athena Diagnostics and ITMI).